The following is an entry in ClinVar:

NM_001148.6(ANK2):c.8959A>G (p.Asn2987Asp)

Gene: ANK2 (ankyrin 2; plus strand). Cytogenetic location: 4q26.
Variant type: single nucleotide variant.
Coding change: c.8959A>G on transcript NM_001148.6 (MANE Select); coding-DNA position 8959, A replaced by G.
Protein change: p.Asn2987Asp; replaces asparagine 2987 with aspartic acid.
Molecular consequence: missense variant. On other transcripts: intron variant (68).
Genome position (GRCh38, 1-based): chr4:113,357,577, A>G. VCF-style: chr4-113357577-A-G. GRCh37 (hg19) VCF-style: chr4-114278733-A-G.
Other names: c.8725A>G, p.Asn2909Asp (NM_001386142.1); c.5359A>G, p.Asn1787Asp (NM_001386166.1); c.9100A>G, p.Asn3034Asp (NM_001386174.1); c.9076A>G, p.Asn3026Asp (NM_001386175.1); c.4412-3246A>G (NM_001386186.2, NM_001386148.2); c.4214-3246A>G (NM_001354269.3); c.4292-3246A>G (NM_001386187.2); c.4253-3246A>G (NM_001386147.1); and 35 more; short protein forms N2987D, N1787D, N2909D, N3026D, N3034D.
Identifiers: ClinVar variation 406470 (VCV000406470.6), dbSNP rs745914652, ClinGen allele CA3051853.

ClinVar aggregate classification (germline): Uncertain significance. Review status: criteria provided, multiple submitters, no conflicts (2 of 4 stars). 2 submissions from 2 submitters: Uncertain significance (2). Last evaluated 2026-03-29.

Conditions:
Cardiovascular phenotype. Identifiers: MedGen CN230736.
Long QT syndrome (LQTS). Identifiers: MedGen C0023976, MeSH D008133, MONDO:0002442. Disease mechanism: loss of function. Inheritance: Various modes of inheritance.

Allele frequency attached by ClinVar (database versions not stated): gnomAD 0.00001; gnomAD exomes 0.00002 and 0.00001; TOPMed 0.00003; ExAC 0.00002.
gnomAD v4.1: 10 of 1,614,026 alleles (0.00062%); highest among the groups gnomAD compares: Admixed American, 0.012%; no homozygotes.

Submissions (2):

Ambry Genetics
Classification: Uncertain significance for Cardiovascular phenotype. Last evaluated: 2026-03-29. Review status: criteria provided, single submitter. Criteria: Ambry Variant Classification Scheme 2023. Collection method: clinical testing. Allele origin: germline.
Comment: The p.N2987D variant (also known as c.8959A>G), located in coding exon 38 of the ANK2 gene, results from an A to G substitution at nucleotide position 8959. The asparagine at codon 2987 is replaced by aspartic acid, an amino acid with highly similar properties. This amino acid position is conserved. In addition, this alteration is predicted to be tolerated by in silico analysis. Based on the available evidence, the clinical significance of this variant remains unclear.

Labcorp Genetics (formerly Invitae), Labcorp
Classification: Uncertain significance for Long QT syndrome. Last evaluated: 2024-10-28. Review status: criteria provided, single submitter. Criteria: Invitae Variant Classification Sherloc (09022015). Collection method: clinical testing. Allele origin: germline.
Comment: This sequence change replaces asparagine, which is neutral and polar, with aspartic acid, which is acidic and polar, at codon 2987 of the ANK2 protein (p.Asn2987Asp). This variant is present in population databases (rs745914652, gnomAD 0.02%). This variant has not been reported in the literature in individuals affected with ANK2-related conditions. ClinVar contains an entry for this variant (Variation ID: 406470). An algorithm developed to predict the effect of missense changes on protein structure and function (PolyPhen-2) suggests that this variant is likely to be tolerated. In summary, the available evidence is currently insufficient to determine the role of this variant in disease. Therefore, it has been classified as a Variant of Uncertain Significance.